The following is an entry in ClinVar:

NM_017909.4(RMND1):c.859A>T (p.Ile287Phe)

Gene: RMND1 (required for meiotic nuclear division 1 homolog; minus strand). Cytogenetic location: 6q25.1.
Variant type: single nucleotide variant.
Coding change: c.859A>T on transcript NM_017909.4 (MANE Select); coding-DNA position 859, A replaced by T.
Protein change: p.Ile287Phe; replaces isoleucine 287 with phenylalanine.
Molecular consequence: missense variant.
Genome position (GRCh38, 1-based): chr6:151,423,603, T>A on the plus strand (A>T on the coding strand, the complement: RMND1 is on the minus strand). VCF-style: chr6-151423603-T-A. GRCh37 (hg19) VCF-style: chr6-151744738-T-A.
Other names: c.349A>T, p.Ile117Phe (NM_001271937.2); short protein forms I117F, I287F.
Identifiers: ClinVar variation 1077016 (VCV001077016.1), dbSNP rs763077801, ClinGen allele CA4050883.
Genomic context (GRCh38, chr6:151,423,603, plus strand): 5'-TGGAGAAAGCAAACTTCTCTAGAATGGCATCATCTAAATCCAGCTCTGAATTTAACTTGA[T>A]TTCCCCCCTGTGAAGTTTTGACTGTCCCCTGTGAAAAGCAAAAAGATAATACCTTCTAAA-3'
Protein context (NP_060379.2, residues 277-297): EGQSKLHRGE[Ile287Phe]KLNSELDLDD

ClinVar aggregate classification (germline): Likely pathogenic (1 of 4 stars; one submission).

Conditions:
Combined oxidative phosphorylation defect type 11. Also called: Combined oxidative phosphorylation deficiency 11; ENCEPHALONEUROMYOPATHY, INFANTILE, DUE TO MITOCHONDRIAL TRANSLATION DEFECT. Identifiers: Orphanet 324535, MedGen C5190991, MONDO:0013969, OMIM 614922.

Allele frequency attached by ClinVar (database versions not stated): TOPMed below 0.00001; ExAC 0.00001.

Submission:

Precision Medicine Center, Zhengzhou University
Classification: Likely pathogenic for Combined oxidative phosphorylation defect type 11. Review status: criteria provided, single submitter. Criteria: ACMG Guidelines, 2015. Collection method: research. Allele origin: germline. Affected: yes.
Comment: PM2:not found in gnomAD PP1:Cosegregation with disease in multiple affected family members PP3:Multiple lines of computational evidence support a deleterious effect on the gene or gene product PP4:Patient's phenotype is highly specific for a disease PP5:Reputable source recently reports variant as pathogenic